The following is an entry in ClinVar:

NM_000059.4(BRCA2):c.1796_1800del (p.Thr598_Ser599insTer)

Gene: BRCA2 (BRCA2 DNA repair associated; plus strand). Cytogenetic location: 13q13.1.
Variant type: Deletion.
Coding change: c.1796_1800del on transcript NM_000059.4 (MANE Select); coding-DNA positions 1796 to 1800, 5 bases deleted (CTTAT; older notation c.1796_1800delCTTAT).
Protein change: p.Thr598_Ser599insTer.
Molecular consequence: nonsense.
Genome position (GRCh38, 1-based): chr13:32,333,274-32,333,278, CTTAT deleted; deleting any 5 consecutive bases within chr13:32,333,272-32,333,278 gives the same sequence; the c. name uses the placement nearest the transcript's 3' end. VCF-style (leftmost placement, unchanged base first): chr13-32333271-CATCTT-C. GRCh37 (hg19) VCF-style: chr13-32907408-CATCTT-C.
Other names: 2022del5; 2024_2028delCTTAT; 2024del5; c.1796_1800del (U43746.1); c.1794_1798del (NM_000059.4); c.1796_1800delCTTAT (NM_000059.3).
Identifiers: ClinVar variation 37756 (VCV000037756.65), dbSNP rs276174813, ClinGen allele CA013253.
Genomic context (GRCh38, chr13:32,333,271, plus strand): 5'-GTTTAATATCCACTTTGAAAAAGAAAACAAATAAGTTTATTTATGCTATACATGATGAAA[CATCTT>C]ATAAAGGAAAAAAAATACCGAAAGACCAAAAATCAGAACTAATTAACTGTTCAGCCCAGT-3'

ClinVar aggregate classification (germline): Pathogenic. Review status: reviewed by expert panel (3 of 4 stars). 33 submissions from 33 submitters: Pathogenic (1). 32 of the submissions do not count toward it. Last evaluated 2016-04-22.

Conditions:
Inherited breast cancer and ovarian cancer.
BRCA2-related cancer predisposition. Identifiers: MedGen CN377758, MONDO:0700269.
Pancreatic cancer, susceptibility to, 2. Identifiers: Orphanet 1333, MedGen C3150546, MONDO:0013235, OMIM 613347.
Glioma susceptibility 3 (GLM3). Also called: Glioblastoma 3. Identifiers: Orphanet 182067, Orphanet 360, MedGen C2751641, MONDO:0013093, OMIM 613029.
Familial prostate cancer. Also called: Hereditary Prostate Cancer. Identifiers: MedGen C2931456, MONDO:0700275, OMIM 176807.
Breast-ovarian cancer, familial, susceptibility to, 2 (BROVCA2). Also called: BRCA2 Hereditary Breast and Ovarian Cancer. Identifiers: Orphanet 145, MedGen C2675520, MONDO:0012933, OMIM 612555. Disease mechanism: loss of function.
Fanconi anemia complementation group D1. Also called: BRCA2-Related Fanconi Anemia. Identifiers: Orphanet 319462, MedGen C1838457, MONDO:0011584, OMIM 605724.
Medulloblastoma (MDB). Also called: Medulloblastoma, somatic; MEDULLOBLASTOMA PREDISPOSITION SYNDROME. Identifiers: Orphanet 616, MedGen C0025149, MeSH D008527, MONDO:0007959, OMIM 155255, HP:0002885.
Wilms tumor 1 (WT1). Also called: Wilms tumor, somatic. Identifiers: Orphanet 654, MedGen CN033288, MONDO:0008679, OMIM 194070.
Familial cancer of breast. Also called: BREAST CANCER, FAMILIAL; hereditary breast carcinoma; Hereditary breast cancer. Identifiers: Orphanet 227535, MedGen C0346153, MONDO:0016419, OMIM 114480. Disease mechanism: loss of function.
BRCA2-related disorder. Also called: BRCA2-related condition; BRCA2-related disorders. Identifiers: MedGen CN239275.
Hereditary cancer-predisposing syndrome. Also called: Neoplastic Syndromes, Hereditary; Tumor predisposition; Hereditary Cancer Syndrome; Hereditary neoplastic syndrome. Identifiers: Orphanet 140162, MedGen C0027672, MeSH D009386, MONDO:0015356.
Hereditary breast ovarian cancer syndrome. Also called: Breast and ovarian cancer; Hereditary breast and ovarian cancer; Hereditary breast and ovarian cancer syndrome (HBOC); Hereditary breast and ovarian cancer syndrome; BRCA1- and BRCA2-Associated Hereditary Breast and Ovarian Cancer; Hereditary breast and/or ovarian cancer syndrome. Identifiers: Orphanet 145, MedGen C0677776, MeSH D061325, MONDO:0003582. Disease mechanism: loss of function.
Malignant tumor of breast. Also called: Cancer breast; Malignant breast neoplasm. Identifiers: MedGen C0006142, MONDO:0007254. Disease mechanism: loss of function.

Submissions 1 to 8 of 33:

Evidence-based Network for the Interpretation of Germline Mutant Alleles (ENIGMA)
Classification: Pathogenic for Breast-ovarian cancer, familial, susceptibility to, 2. Last evaluated: 2016-04-22. Review status: reviewed by expert panel. Criteria: ENIGMA BRCA1/2 Classification Criteria (2015). Collection method: curation. Allele origin: germline.
Comment: Variant allele predicted to encode a truncated non-functional protein.

Genetics Laboratory, Great Ormond Street Hospital NHS Foundation Trust, North Thames Genomic Laboratory Hub
Classification: Pathogenic for Inherited breast cancer and ovarian cancer. Last evaluated: 2026-03-25. Review status: criteria provided, single submitter. Criteria: CanVIG BRCA Gene Specific V1.22. Collection method: clinical testing. Allele origin: germline. Affected: yes. Not counted in ClinVar's aggregate classification.
Comment: PS4_moderate, PM2_supporting, PVS1_very-strong, PM5_strong

CeGaT Center for Human Genetics Tuebingen
Classification: Pathogenic. Last evaluated: 2026-03-01. Review status: criteria provided, single submitter. Criteria: CeGaT Center For Human Genetics Tuebingen Variant Classification Criteria Version 2. Collection method: clinical testing. Allele origin: germline. Affected: yes. Observed: 2 variant alleles. Not counted in ClinVar's aggregate classification.
Comment: BRCA2: PVS1, PM2, PS4:Moderate

Labcorp Genetics (formerly Invitae), Labcorp
Classification: Pathogenic for Hereditary breast ovarian cancer syndrome. Last evaluated: 2025-11-27. Review status: criteria provided, single submitter. Criteria: Invitae Variant Classification Sherloc (09022015). Collection method: clinical testing. Allele origin: germline. Not counted in ClinVar's aggregate classification.
Comment: This sequence change creates a premature translational stop signal (p.Ser599*) in the BRCA2 gene. It is expected to result in an absent or disrupted protein product. Loss-of-function variants in BRCA2 are known to be pathogenic (PMID: 20104584). This variant is present in population databases (rs276174813, gnomAD 0.0009%). This premature translational stop signal has been observed in individual(s) with breast cancer (PMID: 8988179, 22009639, 22085629, 22798144, 24549055). This variant is also known as c.1796delCTTAT and 2024del5. ClinVar contains an entry for this variant (Variation ID: 37756). RNA analysis performed to evaluate the impact of this premature translational stop signal on mRNA splicing indicates it does not significantly alter splicing (internal data). For these reasons, this variant has been classified as Pathogenic.

Ambry Genetics
Classification: Pathogenic for Hereditary cancer-predisposing syndrome. Last evaluated: 2025-11-14. Review status: criteria provided, single submitter. Criteria: Ambry Variant Classification Scheme 2023. Collection method: clinical testing. Allele origin: germline. Not counted in ClinVar's aggregate classification.
Comment: The c.1796_1800delCTTAT (p.S599*) alteration, located in exon 10 (coding exon 9) of the BRCA2 gene, consists of a deletion of 5 nucleotides from position 1796 to 1800. This changes the amino acid from a serine (S) to a stop codon at amino acid position 599. This alteration is expected to result in loss of function by premature protein truncation or nonsense-mediated mRNA decay. Based on data from gnomAD, this allele has an overall frequency of <0.001% (1/244054) total alleles studied. The highest observed frequency was 0.001% (1/111114) of European (non-Finnish) alleles. This mutation has been detected in female breast cancer, male breast cancer, and ovarian cancer cases (Gayther, 1997; Loman, 2001; Ladopoulou, 2002; Kim, 2012; Torres-Mej&iacute;a, 2015; Fostira, 2018; Labidi-Galy, 2018). Of note, this alteration is also designated as 2024del5 in published literature. Based on the available evidence, this alteration is classified as pathogenic.

Quest Diagnostics Nichols Institute San Juan Capistrano
Classification: Pathogenic. Last evaluated: 2025-10-09. Review status: criteria provided, single submitter. Criteria: Quest Diagnostics criteria. Collection method: clinical testing. Allele origin: unknown. Not counted in ClinVar's aggregate classification.
Comment: The BRCA2 c.1796_1800del (p.Ser599*) variant alters the translational reading frame of the BRCA2 mRNA and causes the premature termination of BRCA2 protein synthesis. This variant has been reported in the published literature in individuals with breast and/or ovarian cancer (PMID: 38785549 (2024), 33629534 (2021), 32438681 (2020), 31336956 (2019), 29335925 (2018), 29084914 (2018), 25371446 (2014), 22762150 (2012), 22798144 (2012), 8988179 (1997)), and prostate cancer (PMID: 33599307 (2021)). In a large scale breast cancer association study, this variant has been observed in breast cancer cases (PMID: 33471991 (2021), see also LOVD), as well as in a large worldwide study of BRCA1/2 positive families (PMID: 29446198 (2018)). The frequency of this variant in the general population (Genome Aggregation Database) is consistent with pathogenicity. Based on the available information, this variant is classified as pathogenic.

Dasa
Classification: Pathogenic for Breast-ovarian cancer, familial, susceptibility to, 2. Last evaluated: 2025-09-23. Review status: criteria provided, single submitter. Criteria: DASA Assertion Criteria. Collection method: clinical testing. Allele origin: germline. Not counted in ClinVar's aggregate classification.
Comment: NM_000059.4(BRCA2):c.1796_1800del (p.Ser599Ter) is a nonsense variant in BRCA2 predicted to introduce a premature termination codon and is predicted to result in an absent or altered protein product. Loss of function is an established disease mechanism for BRCA2 (PMID: 16199546; PMID: 17063271; PMID: 25632310). The affected residue or protein region has prior evidence supporting clinical relevance. Published studies describe this variant in association with Breast-ovarian cancer, familial, susceptibility to, 2 (PMID: 8988179; PMID: 24549055; PMID: 22798144; PMID: 22085629). Also, this variant is rare in population databases. Based on the currently available evidence, this variant is classified as pathogenic.

GeneKor MSA
Classification: Pathogenic for Hereditary breast ovarian cancer syndrome. Last evaluated: 2025-06-25. Review status: criteria provided, single submitter. Criteria: ACMG Guidelines, 2015. Collection method: clinical testing. Allele origin: germline. Affected: yes. Not counted in ClinVar's aggregate classification.
Comment: This is a 5-nucleotide deletion in exon 10 of the BRCA2 mRNA c.(1796_1800del). This sequence change creates a premature translational stop signal - p.(Ser599*). It is expected to result in an absent or disrupted protein product. Loss-of-function variants in BRCA2 are known to be pathogenic (PMID:20104584). This genomic alteration is also reported as c.2022del5, c.2024_2028delCTTAT, c.1796delCTTAT and c.2024del5 in the published literature and has been observed in individuals and families affected with breast and ovarian cancer (PMID:8988179, 22009639, 22085629, 22798144, 24549055, 25371446, 29084914, 29335925). The mutation database ClinVar contains entries for this variant where it is listed as pathogenic (VCV000037756.51). Based on the classification criteria set by the ACMG and AMP (PMID:25741868) this variant has been classified as pathogenic.